The following is an entry in ClinVar:

ClinVar aggregate classification (germline): Likely benign (0 of 4 stars; one submission).

Conditions:
CELSR1-related disorder. Also called: CELSR1-related condition.

Allele frequency attached by ClinVar (database versions not stated): ExAC 0.00022; 1000 Genomes Project 30x 0.00047; 1000 Genomes Project 0.00060; gnomAD 0.00061; ESP Exome Variant Server 0.00069; TOPMed 0.00075.
gnomAD v4.1: 173 of 1,613,878 alleles (0.011%); highest among the groups gnomAD compares: African/African-American, 0.19%; no homozygotes.

Submission:

PreventionGenetics, part of Exact Sciences
Classification: Likely benign for CELSR1-related condition. Last evaluated: 2019-11-25. Review status: no assertion criteria provided. Collection method: clinical testing. Allele origin: germline.
Comment: This variant is classified as likely benign based on ACMG/AMP sequence variant interpretation guidelines (Richards et al. 2015 PMID: 25741868, with internal and published modifications).

NM_001378328.1(CELSR1):c.3777C>T (p.Asn1259=)

Gene: CELSR1 (cadherin EGF LAG seven-pass G-type receptor 1; minus strand). Cytogenetic location: 22q13.31.
Variant type: single nucleotide variant.
Coding change: c.3777C>T on transcript NM_001378328.1 (MANE Select); coding-DNA position 3777, C replaced by T.
Protein change: p.Asn1259=; no amino-acid change (asparagine 1259 retained).
Molecular consequence: synonymous variant.
Genome position (GRCh38, 1-based): chr22:46,464,113, G>A on the plus strand (C>T on the coding strand, the complement: CELSR1 is on the minus strand). VCF-style: chr22-46464113-G-A. GRCh37 (hg19) VCF-style: chr22-46860010-G-A.
Other names: c.3777C>T, p.Asn1259= (NM_014246.4).
Identifiers: ClinVar variation 3048644 (VCV003048644.2), dbSNP rs147056983, ClinGen allele CA10294896.